The following is an entry in ClinVar:

NM_020987.5(ANK3):c.11762A>G (p.Asp3921Gly)

Gene: ANK3 (ankyrin 3; minus strand). Cytogenetic location: 10q21.2.
Variant type: single nucleotide variant.
Coding change: c.11762A>G on transcript NM_020987.5 (MANE Select); coding-DNA position 11762, A replaced by G.
Protein change: p.Asp3921Gly; replaces aspartic acid 3921 with glycine.
Molecular consequence: missense variant. On other transcripts: intron variant (4).
Genome position (GRCh38, 1-based): chr10:60,069,119, T>C on the plus strand (A>G on the coding strand, the complement: ANK3 is on the minus strand). VCF-style: chr10-60069119-T-C. GRCh37 (hg19) VCF-style: chr10-61828877-T-C.
Other names: c.4388-1110A>G (NM_001204403.2); c.4409-1110A>G (NM_001204404.2); c.4406-1110A>G (NM_001320874.2); c.1808-1110A>G (NM_001149.4); c.11762A>G (NM_020987.3); short protein forms D3921G.
Identifiers: ClinVar variation 1955163 (VCV001955163.4), dbSNP rs372070786, ClinGen allele CA5511042.

ClinVar aggregate classification (germline): Uncertain significance. Review status: criteria provided, multiple submitters, no conflicts (2 of 4 stars). 2 submissions from 2 submitters: Uncertain significance (2). Last evaluated 2023-03-01.

Conditions:
Inborn genetic diseases. Identifiers: MedGen C0950123, MeSH D030342.

Allele frequency attached by ClinVar (database versions not stated): ExAC 0.00001; gnomAD exomes 0.00002; ESP Exome Variant Server 0.00008.
gnomAD v4.1: 22 of 1,614,192 alleles (0.0014%); highest among the groups gnomAD compares: Non-Finnish European, 0.0019%; no homozygotes.

Submissions (2):

Ambry Genetics
Classification: Uncertain significance for Inborn genetic diseases. Last evaluated: 2023-03-01. Review status: criteria provided, single submitter. Criteria: Ambry Variant Classification Scheme 2023. Collection method: clinical testing. Allele origin: germline.

Labcorp Genetics (formerly Invitae), Labcorp
Classification: Uncertain significance. Last evaluated: 2022-05-13. Review status: criteria provided, single submitter. Criteria: Invitae Variant Classification Sherloc (09022015). Collection method: clinical testing. Allele origin: germline.
Comment: This sequence change replaces aspartic acid, which is acidic and polar, with glycine, which is neutral and non-polar, at codon 3921 of the ANK3 protein (p.Asp3921Gly). This variant is present in population databases (rs372070786, gnomAD 0.007%). This variant has not been reported in the literature in individuals affected with ANK3-related conditions. Algorithms developed to predict the effect of missense changes on protein structure and function are either unavailable or do not agree on the potential impact of this missense change (SIFT: "Not Available"; PolyPhen-2: "Benign"; Align-GVGD: "Not Available"). In summary, the available evidence is currently insufficient to determine the role of this variant in disease. Therefore, it has been classified as a Variant of Uncertain Significance.